The following is an entry in ClinVar:

ClinVar aggregate classification (germline): Benign. Review status: criteria provided, multiple submitters, no conflicts (2 of 4 stars). 2 submissions from 2 submitters: Benign (2). Last evaluated 2018-01-13.

Conditions:
Idiopathic basal ganglia calcification 1 (PFBC1A). Also called: Familial Idiopathic Basal Ganglia Calcification 2; Familial Idiopathic Basal Ganglia Calcification 3; Primary Familial Brain Calcification; PRIMARY FAMILIAL BRAIN CALCIFICATION 1A, AUTOSOMAL DOMINANT; Fahr's syndrome; Cerebral calcification nonarteriosclerotic idiopathic adult-onset. Identifiers: Orphanet 1980, MedGen C4551624, MONDO:0024538, OMIM 213600.

Allele frequency attached by ClinVar (database versions not stated): TOPMed 0.07038; gnomAD 0.07233 and 0.07343; gnomAD exomes 0.04315; 1000 Genomes Project 0.09325; 1000 Genomes Project 30x 0.09447.
gnomAD v4.1: 11,498 of 165,108 alleles (7%); highest among the groups gnomAD compares: African/African-American, 16%; 734 homozygotes.

Submissions (2):

Illumina Laboratory Services, Illumina
Classification: Benign for Idiopathic basal ganglia calcification 1. Last evaluated: 2018-01-13. Review status: criteria provided, single submitter. Criteria: ICSL Variant Classification Criteria 13 December 2019. Collection method: clinical testing. Allele origin: germline.
Comment: This variant was observed in the ICSL laboratory as part of a predisposition screen in an ostensibly healthy population. It had not been previously curated by ICSL or reported in the Human Gene Mutation Database (HGMD: prior to June 1st, 2018), and was therefore a candidate for classification through an automated scoring system. Utilizing variant allele frequency, disease prevalence and penetrance estimates, and inheritance mode, an automated score was calculated to assess if this variant is too frequent to cause the disease. Based on the score and internal cut-off values, a variant classified as benign is not then subjected to further curation. The score for this variant resulted in a classification of benign for this disease.

Breakthrough Genomics
Classification: Benign. Review status: criteria provided, single submitter. Criteria: ACMG Guidelines, 2015. Collection method: not provided. Allele origin: germline. Inheritance: Autosomal dominant inheritance. Affected: yes.

NM_001257180.2(SLC20A2):c.*361A>G

Gene: SLC20A2 (solute carrier family 20 member 2; minus strand). Cytogenetic location: 8p11.21.
Variant type: single nucleotide variant.
Coding change: c.*361A>G on transcript NM_001257180.2 (MANE Select); 361 bases downstream of the stop codon, A replaced by G.
Molecular consequence: 3 prime UTR variant.
Genome position (GRCh38, 1-based): chr8:42,417,442, T>C on the plus strand (A>G on the coding strand, the complement: SLC20A2 is on the minus strand). VCF-style: chr8-42417442-T-C. GRCh37 (hg19) VCF-style: chr8-42274960-T-C.
Other names: c.*361A>G (NM_001257181.2, NM_006749.5).
Identifiers: ClinVar variation 363060 (VCV000363060.6), dbSNP rs3763510, ClinGen allele CA10631105.